The following is an entry in ClinVar:

NM_006514.4(SCN10A):c.1492C>G (p.Arg498Gly)

Gene: SCN10A (sodium voltage-gated channel alpha subunit 10; minus strand). Cytogenetic location: 3p22.2.
Variant type: single nucleotide variant.
Coding change: c.1492C>G on transcript NM_006514.4 (MANE Select); coding-DNA position 1492, C replaced by G.
Protein change: p.Arg498Gly; replaces arginine 498 with glycine.
Molecular consequence: missense variant. On other transcripts: intron variant (1).
Genome position (GRCh38, 1-based): chr3:38,752,482, G>C on the plus strand (C>G on the coding strand, the complement: SCN10A is on the minus strand). VCF-style: chr3-38752482-G-C. GRCh37 (hg19) VCF-style: chr3-38793973-G-C.
Other names: c.1492C>G, p.Arg498Gly (NM_001293306.2); c.1462-2298C>G (NM_001293307.2); short protein forms R498G.
Identifiers: ClinVar variation 1051615 (VCV001051615.5), dbSNP rs377467259, ClinGen allele CA352167696.
Genomic context (GRCh38, chr3:38,752,482, plus strand): 5'-CAGGGAGTGAGATATCTCGGCCAGGGGACCGGAAATGGAACACACTGCCATGACTAGCCC[G>C]GCGTTTTCCAGAGGCGAGGCCTAGAAAAGACTGGGCATTGCCCCAAAGGAGCAAGAAGGC-3'
Protein context (NP_006505.4, residues 488-508): SFLGLASGKR[Arg498Gly]ASHGSVFHFR

ClinVar aggregate classification (germline): Uncertain significance (1 of 4 stars; one submission).

Conditions:
Brugada syndrome. Also called: Sudden unexpected nocturnal death syndrome; Sudden Unexplained Death Syndrome; Sudden Unexplained Nocturnal Death Syndrome (SUNDS); Sudden unexplained nocturnal death syndrome. Identifiers: Orphanet 130, MedGen C1142166, MONDO:0015263.

gnomAD v4.1: 1 of 1,602,318 alleles (0.000062%); highest among the groups gnomAD compares: Non-Finnish European, 0.000085%; no homozygotes.

Submission:

Labcorp Genetics (formerly Invitae), Labcorp
Classification: Uncertain significance for Brugada syndrome. Last evaluated: 2020-01-07. Review status: criteria provided, single submitter. Criteria: Invitae Variant Classification Sherloc (09022015). Collection method: clinical testing. Allele origin: germline.
Comment: In summary, the available evidence is currently insufficient to determine the role of this variant in disease. Therefore, it has been classified as a Variant of Uncertain Significance. Algorithms developed to predict the effect of missense changes on protein structure and function are either unavailable or do not agree on the potential impact of this missense change (SIFT: "Deleterious"; PolyPhen-2: "Benign"; Align-GVGD: "Class C65"). This variant has not been reported in the literature in individuals with SCN10A-related conditions. This variant is not present in population databases (ExAC no frequency). This sequence change replaces arginine with glycine at codon 498 of the SCN10A protein (p.Arg498Gly). The arginine residue is highly conserved and there is a moderate physicochemical difference between arginine and glycine.